The following is an entry in ClinVar:

NM_020812.4(DOCK6):c.1157G>A (p.Arg386His)

Gene: DOCK6 (dedicator of cytokinesis 6; minus strand). Cytogenetic location: 19p13.2.
Variant type: single nucleotide variant.
Coding change: c.1157G>A on transcript NM_020812.4 (MANE Select); coding-DNA position 1157, G replaced by A.
Protein change: p.Arg386His; replaces arginine 386 with histidine.
Molecular consequence: missense variant.
Genome position (GRCh38, 1-based): chr19:11,243,658, C>T on the plus strand (G>A on the coding strand, the complement: DOCK6 is on the minus strand). VCF-style: chr19-11243658-C-T. GRCh37 (hg19) VCF-style: chr19-11354334-C-T.
Other names: c.1157G>A, p.Arg386His (NM_001367830.1); c.1157G>A (NM_020812.2); short protein forms R386H.
Identifiers: ClinVar variation 1444942 (VCV001444942.4), dbSNP rs768313821, ClinGen allele CA404110526.

ClinVar aggregate classification (germline): Uncertain significance. Review status: criteria provided, multiple submitters, no conflicts (2 of 4 stars). 2 submissions from 2 submitters: Uncertain significance (2). Last evaluated 2024-02-21.

Conditions:
Inborn genetic diseases. Identifiers: MedGen C0950123, MeSH D030342.

gnomAD v4.1: 10 of 1,612,932 alleles (0.00062%); highest among the groups gnomAD compares: Admixed American, 0.01%; no homozygotes.

Submissions (2):

Ambry Genetics
Classification: Uncertain significance for Inborn genetic diseases. Last evaluated: 2024-02-21. Review status: criteria provided, single submitter. Criteria: Ambry Variant Classification Scheme 2023. Collection method: clinical testing. Allele origin: germline.

Labcorp Genetics (formerly Invitae), Labcorp
Classification: Uncertain significance. Last evaluated: 2021-12-02. Review status: criteria provided, single submitter. Criteria: Invitae Variant Classification Sherloc (09022015). Collection method: clinical testing. Allele origin: germline.
Comment: This sequence change replaces arginine, which is basic and polar, with histidine, which is basic and polar, at codon 386 of the DOCK6 protein (p.Arg386His). This variant is present in population databases (no rsID available, gnomAD 0.01%). This variant has not been reported in the literature in individuals affected with DOCK6-related conditions. Algorithms developed to predict the effect of missense changes on protein structure and function are either unavailable or do not agree on the potential impact of this missense change (SIFT: "Deleterious"; PolyPhen-2: "Possibly Damaging"; Align-GVGD: "Class C0"). In summary, the available evidence is currently insufficient to determine the role of this variant in disease. Therefore, it has been classified as a Variant of Uncertain Significance.